The following is an entry in ClinVar:

NM_016327.3(UPB1):c.811G>A (p.Glu271Lys)

Gene: UPB1 (beta-ureidopropionase 1; plus strand). Cytogenetic location: 22q11.23.
Variant type: single nucleotide variant.
Coding change: c.811G>A on transcript NM_016327.3 (MANE Select); coding-DNA position 811, G replaced by A.
Protein change: p.Glu271Lys; replaces glutamic acid 271 with lysine.
Molecular consequence: missense variant.
Genome position (GRCh38, 1-based): chr22:24,520,406, G>A. VCF-style: chr22-24520406-G-A. GRCh37 (hg19) VCF-style: chr22-24916374-G-A.
Other names: short protein forms E271K.
Identifiers: ClinVar variation 2138423 (VCV002138423.2), dbSNP rs747454154, ClinGen allele CA410968980.

ClinVar aggregate classification (germline): Likely pathogenic (1 of 4 stars; one submission).

gnomAD v4.1: 7 of 1,614,146 alleles (0.00043%); highest among the groups gnomAD compares: Admixed American, 0.0033%; no homozygotes.

Submission:

Labcorp Genetics (formerly Invitae), Labcorp
Classification: Likely pathogenic. Last evaluated: 2022-10-17. Review status: criteria provided, single submitter. Criteria: Invitae Variant Classification Sherloc (09022015). Collection method: clinical testing. Allele origin: germline.
Comment: This sequence change replaces glutamic acid, which is acidic and polar, with lysine, which is basic and polar, at codon 271 of the UPB1 protein (p.Glu271Lys). This variant is present in population databases (no rsID available, gnomAD 0.006%). This missense change has been observed in individual(s) with beta-ureidopropionase deficiency (PMID: 24526388; Invitae). In at least one individual the data is consistent with being in trans (on the opposite chromosome) from a pathogenic variant. Advanced modeling of protein sequence and biophysical properties (such as structural, functional, and spatial information, amino acid conservation, physicochemical variation, residue mobility, and thermodynamic stability) performed at Invitae indicates that this missense variant is expected to disrupt UPB1 protein function. Experimental studies have shown that this missense change affects UPB1 function (PMID: 24526388). In summary, the currently available evidence indicates that the variant is pathogenic, but additional data are needed to prove that conclusively. Therefore, this variant has been classified as Likely Pathogenic.

Literature cited by the submitters: PubMed 24526388.